The following is an entry in ClinVar:

NM_014014.5(SNRNP200):c.2579A>G (p.Gln860Arg)

Gene: SNRNP200 (small nuclear ribonucleoprotein U5 subunit 200; minus strand). Cytogenetic location: 2q11.2.
Variant type: single nucleotide variant.
Coding change: c.2579A>G on transcript NM_014014.5 (MANE Select); coding-DNA position 2579, A replaced by G.
Protein change: p.Gln860Arg; replaces glutamine 860 with arginine.
Molecular consequence: missense variant.
Genome position (GRCh38, 1-based): chr2:96,290,489, T>C on the plus strand (A>G on the coding strand, the complement: SNRNP200 is on the minus strand). VCF-style: chr2-96290489-T-C. GRCh37 (hg19) VCF-style: chr2-96956227-T-C.
Other names: short protein forms Q860R.
Identifiers: ClinVar variation 2821580 (VCV002821580.3), dbSNP rs2467336214, ClinGen allele CA347676802.

ClinVar aggregate classification (germline): Uncertain significance (1 of 4 stars; one submission).

Submission:

Labcorp Genetics (formerly Invitae), Labcorp
Classification: Uncertain significance. Last evaluated: 2022-12-16. Review status: criteria provided, single submitter. Criteria: Invitae Variant Classification Sherloc (09022015). Collection method: clinical testing. Allele origin: germline.
Comment: This sequence change replaces glutamine, which is neutral and polar, with arginine, which is basic and polar, at codon 860 of the SNRNP200 protein (p.Gln860Arg). In summary, the available evidence is currently insufficient to determine the role of this variant in disease. Therefore, it has been classified as a Variant of Uncertain Significance. Advanced modeling of protein sequence and biophysical properties (such as structural, functional, and spatial information, amino acid conservation, physicochemical variation, residue mobility, and thermodynamic stability) has been performed at Invitae for this missense variant, however the output from this modeling did not meet the statistical confidence thresholds required to predict the impact of this variant on SNRNP200 protein function. This variant has not been reported in the literature in individuals affected with SNRNP200-related conditions. This variant is not present in population databases (gnomAD no frequency).